The following is an entry in ClinVar:

NM_001035.3(RYR2):c.7306A>T (p.Ile2436Phe)

Gene: RYR2 (ryanodine receptor 2; plus strand). Cytogenetic location: 1q43.
Variant type: single nucleotide variant.
Coding change: c.7306A>T on transcript NM_001035.3 (MANE Select); coding-DNA position 7306, A replaced by T.
Protein change: p.Ile2436Phe; replaces isoleucine 2436 with phenylalanine.
Molecular consequence: missense variant.
Genome position (GRCh38, 1-based): chr1:237,643,411, A>T. VCF-style: chr1-237643411-A-T. GRCh37 (hg19) VCF-style: chr1-237806711-A-T.
Other names: short protein forms I2436F.
Identifiers: ClinVar variation 1331908 (VCV001331908.6), dbSNP rs1681780165, ClinGen allele CA345397025.

ClinVar aggregate classification (germline): Uncertain significance. Review status: criteria provided, multiple submitters, no conflicts (2 of 4 stars). 2 submissions from 2 submitters: Uncertain significance (2). Last evaluated 2024-03-06.

Conditions:
Cardiomyopathy (CMYO). Also called: Cardiomyopathies. Identifiers: Orphanet 167848, MedGen C0878544, MONDO:0004994, HP:0001638. Inheritance: Various modes of inheritance.
Catecholaminergic polymorphic ventricular tachycardia 1. Also called: VENTRICULAR TACHYCARDIA, CATECHOLAMINERGIC POLYMORPHIC, 1, WITH OR WITHOUT ATRIAL DYSFUNCTION AND/OR DILATED CARDIOMYOPATHY; VENTRICULAR TACHYCARDIA, STRESS-INDUCED POLYMORPHIC 1; RYR2-Related Catecholaminergic Polymorphic Ventricular Tachycardia. Identifiers: Orphanet 3286, MedGen C1631597, MONDO:0011484, OMIM 604772.

Allele frequency attached by ClinVar (database versions not stated): gnomAD exomes below 0.00001; TOPMed below 0.00001.
gnomAD v4.1: 1 of 1,613,914 alleles (0.000062%); highest among the groups gnomAD compares: Non-Finnish European, 0.000085%; no homozygotes.

Submissions (2):

Color Diagnostics, LLC DBA Color Health
Classification: Uncertain significance for Cardiomyopathy. Last evaluated: 2024-03-06. Review status: criteria provided, single submitter. Criteria: ACMG Guidelines, 2015. Collection method: clinical testing. Allele origin: germline.
Comment: This missense variant replaces isoleucine with phenylalanine at codon 2436 of the RYR2 protein. Computational prediction suggests that this variant may have deleterious impact on protein structure and function (internally defined REVEL score threshold >= 0.7, PMID: 27666373). To our knowledge, functional studies have not been reported for this variant. This variant has not been reported in individuals affected with cardiovascular disorders in the literature. This variant has not been identified in the general population by the Genome Aggregation Database (gnomAD). The available evidence is insufficient to determine the role of this variant in disease conclusively. Therefore, this variant is classified as a Variant of Uncertain Significance.

Labcorp Genetics (formerly Invitae), Labcorp
Classification: Uncertain significance for Catecholaminergic polymorphic ventricular tachycardia 1. Last evaluated: 2023-08-18. Review status: criteria provided, single submitter. Criteria: Invitae Variant Classification Sherloc (09022015). Collection method: clinical testing. Allele origin: germline.
Comment: Advanced modeling of protein sequence and biophysical properties (such as structural, functional, and spatial information, amino acid conservation, physicochemical variation, residue mobility, and thermodynamic stability) performed at Invitae indicates that this missense variant is expected to disrupt RYR2 protein function. ClinVar contains an entry for this variant (Variation ID: 1331908). This variant has not been reported in the literature in individuals affected with RYR2-related conditions. This variant is not present in population databases (gnomAD no frequency). This sequence change replaces isoleucine, which is neutral and non-polar, with phenylalanine, which is neutral and non-polar, at codon 2436 of the RYR2 protein (p.Ile2436Phe). In summary, the available evidence is currently insufficient to determine the role of this variant in disease. Therefore, it has been classified as a Variant of Uncertain Significance.